The following is an entry in ClinVar:

NM_001046.3(SLC12A2):c.2935G>T (p.Glu979Ter)

Gene: SLC12A2 (solute carrier family 12 member 2; plus strand). Cytogenetic location: 5q23.3.
Variant type: single nucleotide variant.
Coding change: c.2935G>T on transcript NM_001046.3 (MANE Select); coding-DNA position 2935, G replaced by T.
Protein change: p.Glu979Ter; replaces glutamic acid 979 with a stop codon.
Molecular consequence: nonsense. On other transcripts: non-coding transcript variant (1), intron variant (1).
Genome position (GRCh38, 1-based): chr5:128,177,110, G>T. VCF-style: chr5-128177110-G-T. GRCh37 (hg19) VCF-style: chr5-127512802-G-T.
Other names: c.2930-1457G>T (NM_001256461.2); short protein forms E979*.
Identifiers: ClinVar variation 2859777 (VCV002859777.3), dbSNP rs1581138934, ClinGen allele CA360737936.

ClinVar aggregate classification (germline): Pathogenic (1 of 4 stars; one submission).

Submission:

Labcorp Genetics (formerly Invitae), Labcorp
Classification: Pathogenic. Last evaluated: 2023-07-03. Review status: criteria provided, single submitter. Criteria: Invitae Variant Classification Sherloc (09022015). Collection method: clinical testing. Allele origin: germline.
Comment: For these reasons, this variant has been classified as Pathogenic. Algorithms developed to predict the effect of sequence changes on RNA splicing suggest that this variant may disrupt the consensus splice site. This variant has not been reported in the literature in individuals affected with SLC12A2-related conditions. This variant is not present in population databases (gnomAD no frequency). This sequence change creates a premature translational stop signal (p.Glu979*) in the SLC12A2 gene. It is expected to result in an absent or disrupted protein product. Loss-of-function variants in SLC12A2 are known to be pathogenic (PMID: 28940097, 30740830, 32754646).

Literature cited by the submitters: PubMed 28940097; PubMed 30740830; PubMed 32754646.